The following is an entry in ClinVar:

NM_001267550.2(TTN):c.2432C>T (p.Thr811Ile)

Gene: TTN (titin; minus strand). Cytogenetic location: 2q31.2.
Variant type: single nucleotide variant.
Coding change: c.2432C>T on transcript NM_001267550.2 (MANE Select); coding-DNA position 2432, C replaced by T.
Protein change: p.Thr811Ile; replaces threonine 811 with isoleucine.
Molecular consequence: missense variant.
Genome position (GRCh38, 1-based): chr2:178,785,681, G>A on the plus strand (C>T on the coding strand, the complement: TTN is on the minus strand). VCF-style: chr2-178785681-G-A. GRCh37 (hg19) VCF-style: chr2-179650408-G-A.
Other names: p.T811I:ACA>ATA; c.2294C>T, p.Thr765Ile (NM_003319.4, NM_133432.3, NM_133437.4); c.2432C>T, p.Thr811Ile (NM_133379.5, NM_001256850.1, NM_133378.4); short protein forms T811I, T765I.
Identifiers: ClinVar variation 46805 (VCV000046805.35), dbSNP rs35813871, ClinGen allele CA283019.

ClinVar aggregate classification (germline): Benign/Likely benign. Review status: criteria provided, multiple submitters, no conflicts (2 of 4 stars). 24 submissions from 17 submitters: Benign (19); Likely benign (2). 3 of the submissions do not count toward it. Last evaluated 2026-02-04.

Conditions:
Cardiovascular phenotype. Identifiers: MedGen CN230736.
Autosomal recessive limb-girdle muscular dystrophy type 2J (LGMDR10). Also called: Limb-girdle muscular dystrophy, type 2J; MUSCULAR DYSTROPHY, LIMB-GIRDLE, AUTOSOMAL RECESSIVE 10. Identifiers: Orphanet 140922, MedGen C1837342, MONDO:0012127, OMIM 608807.
Dilated cardiomyopathy 1G (CMD1G). Identifiers: Orphanet 154, MedGen C1858763, MONDO:0011400, OMIM 604145.
Early-onset myopathy with fatal cardiomyopathy (CMYO5). Also called: Salih Myopathy; CONGENITAL MYOPATHY 5 WITH CARDIOMYOPATHY. Identifiers: Orphanet 289377, MedGen C2673677, MONDO:0012714, OMIM 611705. Disease mechanism: loss of function.
Myopathy, myofibrillar, 9, with early respiratory failure (MFM9). Also called: Hereditary myopathy with early respiratory failure; EDSTROM MYOPATHY; MYOPATHY, PROXIMAL, WITH EARLY RESPIRATORY MUSCLE INVOLVEMENT; Myopathy, distal, with early respiratory failure, autosomal dominant. Identifiers: Orphanet 178464, Orphanet 34521, MedGen C1863599, MONDO:0011362, OMIM 603689.
Tibial muscular dystrophy (TMD). Also called: UDD MYOPATHY; Udd Distal Myopathy – Tibial Muscular Dystrophy; Tibial muscular dystrophy, tardive. Identifiers: Orphanet 609, MedGen C1838244, MONDO:0010870, OMIM 600334.

Allele frequency attached by ClinVar (database versions not stated): 1000 Genomes Project 0.10044; 1000 Genomes Project 30x 0.10119; ExAC 0.16907; gnomAD exomes 0.16966 and 0.21389; gnomAD 0.17153 and 0.17564; TOPMed 0.17416; ESP Exome Variant Server 0.18968.
gnomAD v4.1: 338,580 of 1,614,008 alleles (21%); highest among the groups gnomAD compares: Middle Eastern, 25%; 39,606 homozygotes.

Submissions (24):

Labcorp Genetics (formerly Invitae), Labcorp
Classification: Benign for Dilated cardiomyopathy 1G; Autosomal recessive limb-girdle muscular dystrophy type 2J. Last evaluated: 2026-02-04. Review status: criteria provided, single submitter. Criteria: Invitae Variant Classification Sherloc (09022015). Collection method: clinical testing. Allele origin: germline.

Molecular Diagnostic Laboratory for Inherited Cardiovascular Disease, Montreal Heart Institute
Classification: Benign. Last evaluated: 2025-04-09. Review status: criteria provided, single submitter. Criteria: ACMG Guidelines, 2015. Collection method: clinical testing. Allele origin: germline. Affected: no.

Blueprint Genetics
Classification: Benign. Last evaluated: 2024-11-26. Review status: criteria provided, single submitter. Criteria: ACMG Guidelines, 2015. Collection method: clinical testing. Allele origin: germline.

Genome-Nilou Lab
Classification: Benign for Autosomal recessive limb-girdle muscular dystrophy type 2J. Last evaluated: 2021-09-10. Review status: criteria provided, single submitter. Criteria: ACMG Guidelines, 2015. Collection method: clinical testing. Allele origin: germline. Affected: no.

Genome-Nilou Lab
Classification: Benign for Myopathy, myofibrillar, 9, with early respiratory failure. Last evaluated: 2021-09-10. Review status: criteria provided, single submitter. Criteria: ACMG Guidelines, 2015. Collection method: clinical testing. Allele origin: germline. Affected: no.

Genome-Nilou Lab
Classification: Benign for Early-onset myopathy with fatal cardiomyopathy. Last evaluated: 2021-09-10. Review status: criteria provided, single submitter. Criteria: ACMG Guidelines, 2015. Collection method: clinical testing. Allele origin: germline. Affected: no.

Genome-Nilou Lab
Classification: Benign for Tibial muscular dystrophy. Last evaluated: 2021-09-10. Review status: criteria provided, single submitter. Criteria: ACMG Guidelines, 2015. Collection method: clinical testing. Allele origin: germline. Affected: no.

Women's Health and Genetics/Laboratory Corporation of America, LabCorp
Classification: Likely benign. Last evaluated: 2020-08-08. Review status: criteria provided, single submitter. Criteria: LabCorp Variant Classification Summary - May 2015. Collection method: clinical testing. Allele origin: germline.

Ambry Genetics
Classification: Benign for Cardiovascular phenotype. Last evaluated: 2019-02-07. Review status: criteria provided, single submitter. Criteria: Ambry Autosomal Dominant and X-Linked criteria (3/2017). Collection method: clinical testing. Allele origin: germline. Observed: 1 variant allele.

Illumina Laboratory Services, Illumina
Classification: Benign for Myopathy, myofibrillar, 9, with early respiratory failure. Last evaluated: 2018-01-13. Review status: criteria provided, single submitter. Criteria: ICSL Variant Classification Criteria 13 December 2019. Collection method: clinical testing. Allele origin: germline.
Comment: This variant was observed in the ICSL laboratory as part of a predisposition screen in an ostensibly healthy population. It had not been previously curated by ICSL or reported in the Human Gene Mutation Database (HGMD: prior to June 1st, 2018), and was therefore a candidate for classification through an automated scoring system. Utilizing variant allele frequency, disease prevalence and penetrance estimates, and inheritance mode, an automated score was calculated to assess if this variant is too frequent to cause the disease. Based on the score and internal cut-off values, a variant classified as benign is not then subjected to further curation. The score for this variant resulted in a classification of benign for this disease.

Illumina Laboratory Services, Illumina
Classification: Benign for Tibial muscular dystrophy. Last evaluated: 2018-01-13. Review status: criteria provided, single submitter. Criteria: ICSL Variant Classification Criteria 13 December 2019. Collection method: clinical testing. Allele origin: germline.
Comment: the same text as in the submission from Illumina Laboratory Services, Illumina above.

Illumina Laboratory Services, Illumina
Classification: Benign for Dilated cardiomyopathy 1G. Last evaluated: 2018-01-13. Review status: criteria provided, single submitter. Criteria: ICSL Variant Classification Criteria 13 December 2019. Collection method: clinical testing. Allele origin: germline.
Comment: the same text as in the submission from Illumina Laboratory Services, Illumina above.

Illumina Laboratory Services, Illumina
Classification: Benign for Early-onset myopathy with fatal cardiomyopathy. Last evaluated: 2018-01-13. Review status: criteria provided, single submitter. Criteria: ICSL Variant Classification Criteria 13 December 2019. Collection method: clinical testing. Allele origin: germline.
Comment: the same text as in the submission from Illumina Laboratory Services, Illumina above.

Illumina Laboratory Services, Illumina
Classification: Benign for Autosomal recessive limb-girdle muscular dystrophy type 2J. Last evaluated: 2018-01-13. Review status: criteria provided, single submitter. Criteria: ICSL Variant Classification Criteria 13 December 2019. Collection method: clinical testing. Allele origin: germline.
Comment: the same text as in the submission from Illumina Laboratory Services, Illumina above.

Mayo Clinic Laboratories, Mayo Clinic
Classification: Benign. Last evaluated: 2017-07-21. Review status: criteria provided, single submitter. Criteria: ACMG Guidelines, 2015. Collection method: clinical testing. Allele origin: germline. Observed: 905 variant alleles.

Genetic Services Laboratory, University of Chicago
Classification: Benign for AllHighlyPenetrant. Last evaluated: 2013-08-15. Review status: criteria provided, single submitter. Criteria: ACMG Guidelines, 2007. Collection method: clinical testing. Allele origin: germline.

Biesecker Lab/Clinical Genomics Section, National Institutes of Health
Classification: Benign. Last evaluated: 2013-06-24. Review status: criteria provided, single submitter. Criteria: Ng et al. (Circ Cardiovasc Genet. 2013). Collection method: research. Allele origin: unknown. Observed: 346 variant alleles. Study: ClinSeq.
Comment: The study set was not selected for affection status in relation to any cancer. Pathogenicity categories were based on literature curation. See Pubmed ID:23861362 for details.

Medical sequencing

GeneDx
Classification: Benign. Last evaluated: 2012-10-31. Review status: criteria provided, single submitter. Criteria: GeneDx Variant Classification (06012015). Collection method: clinical testing. Allele origin: germline. Affected: yes.
Comment: This variant is considered likely benign or benign based on one or more of the following criteria: it is a conservative change, it occurs at a poorly conserved position in the protein, it is predicted to be benign by multiple in silico algorithms, and/or has population frequency not consistent with disease.

Laboratory for Molecular Medicine, Mass General Brigham Personalized Medicine
Classification: Benign. Last evaluated: 2011-09-16. Review status: criteria provided, single submitter. Criteria: LMM Criteria. Collection method: clinical testing. Allele origin: germline. Observed: 697 variant alleles.

Breakthrough Genomics
Classification: Likely benign. Review status: criteria provided, single submitter. Criteria: ACMG Guidelines, 2015. Collection method: not provided. Allele origin: germline. Inheritance: Autosomal recessive inheritance. Affected: yes.

PreventionGenetics, part of Exact Sciences
Classification: Benign. Review status: criteria provided, single submitter. Criteria: ACMG Guidelines, 2015. Collection method: clinical testing. Allele origin: germline.

Clinical Genetics DNA and cytogenetics Diagnostics Lab, Erasmus MC, Erasmus Medical Center
Classification: Benign. Review status: no assertion criteria provided. Collection method: clinical testing. Allele origin: germline. Affected: yes. Study: VKGL Data-share Consensus. Not counted in ClinVar's aggregate classification.

Clinical Genetics, Academic Medical Center
Classification: Benign. Review status: no assertion criteria provided. Collection method: clinical testing. Allele origin: germline. Affected: yes. Study: VKGL Data-share Consensus. Not counted in ClinVar's aggregate classification.

Genome Diagnostics Laboratory, University Medical Center Utrecht
Classification: Benign. Review status: no assertion criteria provided. Collection method: clinical testing. Allele origin: germline. Affected: yes. Study: VKGL Data-share Consensus. Not counted in ClinVar's aggregate classification.